The following is an entry in ClinVar:

NM_022095.4(ZNF335):c.201+85G>A

Gene: ZNF335 (zinc finger protein 335; minus strand). Cytogenetic location: 20q13.12.
Variant type: single nucleotide variant.
Coding change: c.201+85G>A on transcript NM_022095.4 (MANE Select); 85 bases into the intron after coding-DNA position 201, G replaced by A.
Molecular consequence: intron variant.
Genome position (GRCh38, 1-based): chr20:45,971,125, C>T on the plus strand (G>A on the coding strand, the complement: ZNF335 is on the minus strand). VCF-style: chr20-45971125-C-T. GRCh37 (hg19) VCF-style: chr20-44599764-C-T.
Other names: NM_022095.4:c.201+85G>A.
Identifiers: ClinVar variation 2500967 (VCV002500967.1), dbSNP rs2084056950, ClinGen allele CA2366460075.

ClinVar aggregate classification (germline): Uncertain significance (1 of 4 stars; one submission).

Conditions:
Autosomal recessive primary microcephaly. Identifiers: Orphanet 2512, MedGen C3711387, MONDO:0016660.

Allele frequency attached by ClinVar (database versions not stated): TOPMed below 0.00001.
gnomAD v4.1: 1 of 1,440,014 alleles (0.000069%); no homozygotes.

Submission:

Broad Center for Mendelian Genomics, Broad Institute of MIT and Harvard
Classification: Uncertain significance for Autosomal recessive primary microcephaly. Last evaluated: 2023-05-02. Review status: criteria provided, single submitter. Criteria: ACMG Guidelines, 2015. Collection method: curation. Allele origin: germline. Inheritance: Autosomal recessive inheritance.
Comment: The homozygous c.201+85G>A variant in ZNF335 was identified by our study in two siblings with microcephaly and short stature. The c.201+85G>A variant in ZNF335 has not been previously reported in individuals with autosomal recessive primary microcephaly 10. This variant is absent from large population studies. This variant is located in the 5' splice region. Computational tools do not suggest an impact to splicing. However, this information is not predictive enough to rule out pathogenicity. In summary, the clinical significance of the c.201+85G>A variant is uncertain. ACMG/AMP Criteria applied: PM2_Supporting, PM3_Supporting, BP4 (Richards 2015).